The following is an entry in ClinVar:

NM_001371928.1(AHDC1):c.2976C>T (p.Cys992=)

Gene: AHDC1 (AT-hook DNA binding motif containing 1; minus strand). Cytogenetic location: 1p36.11.
Variant type: single nucleotide variant.
Coding change: c.2976C>T on transcript NM_001371928.1 (MANE Select); coding-DNA position 2976, C replaced by T.
Protein change: p.Cys992=; no amino-acid change (cysteine 992 retained).
Molecular consequence: synonymous variant.
Genome position (GRCh38, 1-based): chr1:27,549,140, G>A on the plus strand (C>T on the coding strand, the complement: AHDC1 is on the minus strand). VCF-style: chr1-27549140-G-A. GRCh37 (hg19) VCF-style: chr1-27875651-G-A.
Other names: c.2976C>T, p.Cys992= (NM_001029882.3).
Identifiers: ClinVar variation 790808 (VCV000790808.39), dbSNP rs145774336, ClinGen allele CA715651.

ClinVar aggregate classification (germline): Benign/Likely benign. Review status: criteria provided, multiple submitters, no conflicts (2 of 4 stars). 6 submissions from 6 submitters: Benign (3); Likely benign (2). 1 of the submissions does not count toward it. Last evaluated 2026-01-24.

Conditions:
AHDC1-related disorder. Also called: AHDC1-related condition.
AHDC1-related intellectual disability - obstructive sleep apnea - mild dysmorphism syndrome. Also called: Xia-Gibbs syndrome. Identifiers: Orphanet 412069, MedGen C4014419, MONDO:0014358, OMIM 615829.

Allele frequency attached by ClinVar (database versions not stated): TOPMed 0.00093; gnomAD 0.00096 and 0.00126; ESP Exome Variant Server 0.00100; gnomAD exomes 0.00158 and 0.00233; ExAC 0.00213; 1000 Genomes Project 0.00220; 1000 Genomes Project 30x 0.00250.
gnomAD v4.1: 2,427 of 1,555,190 alleles (0.16%); highest among the groups gnomAD compares: South Asian, 1%; 18 homozygotes.

Submissions (6):

Labcorp Genetics (formerly Invitae), Labcorp
Classification: Benign. Last evaluated: 2026-01-24. Review status: criteria provided, single submitter. Criteria: Invitae Variant Classification Sherloc (09022015). Collection method: clinical testing. Allele origin: germline.

CeGaT Center for Human Genetics Tuebingen
Classification: Benign. Last evaluated: 2025-07-01. Review status: criteria provided, single submitter. Criteria: CeGaT Center For Human Genetics Tuebingen Variant Classification Criteria Version 2. Collection method: clinical testing. Allele origin: germline. Affected: yes. Observed: 12 variant alleles.
Comment: AHDC1: BP4, BP7, BS1, BS2

Genome-Nilou Lab
Classification: Benign for AHDC1-related intellectual disability - obstructive sleep apnea - mild dysmorphism syndrome. Last evaluated: 2021-12-05. Review status: criteria provided, single submitter. Criteria: ACMG Guidelines, 2015. Collection method: clinical testing. Allele origin: germline. Affected: no.

GeneDx
Classification: Likely benign. Last evaluated: 2020-12-23. Review status: criteria provided, single submitter. Criteria: GeneDx Variant Classification Process June 2021. Collection method: clinical testing. Allele origin: germline. Affected: yes.

Breakthrough Genomics
Classification: Likely benign. Review status: criteria provided, single submitter. Criteria: ACMG Guidelines, 2015. Collection method: not provided. Allele origin: germline. Inheritance: Autosomal dominant inheritance. Affected: yes.

PreventionGenetics, part of Exact Sciences
Classification: Benign for AHDC1-related condition. Last evaluated: 2021-08-06. Review status: no assertion criteria provided. Collection method: clinical testing. Allele origin: germline. Not counted in ClinVar's aggregate classification.
Comment: This variant is classified as benign based on ACMG/AMP sequence variant interpretation guidelines (Richards et al. 2015 PMID: 25741868, with internal and published modifications).